The following is an entry in ClinVar:

NM_001377.3(DYNC2H1):c.6943A>T (p.Thr2315Ser)

Gene: DYNC2H1 (dynein cytoplasmic 2 heavy chain 1; plus strand). Cytogenetic location: 11q22.3.
Variant type: single nucleotide variant.
Coding change: c.6943A>T on transcript NM_001377.3 (MANE Select); coding-DNA position 6943, A replaced by T.
Protein change: p.Thr2315Ser; replaces threonine 2315 with serine.
Molecular consequence: missense variant.
Genome position (GRCh38, 1-based): chr11:103,187,389, A>T. VCF-style: chr11-103187389-A-T. GRCh37 (hg19) VCF-style: chr11-103058118-A-T.
Other names: c.6943A>T, p.Thr2315Ser (NM_001080463.2); short protein forms T2315S.
Identifiers: ClinVar variation 4707392 (VCV004707392.1).

ClinVar aggregate classification (germline): Uncertain significance (1 of 4 stars; one submission).

Conditions:
Jeune thoracic dystrophy. Also called: Short-rib thoracic dysplasia; Jeune syndrome; Infantile thoracic dystrophy; Thoracic pelvic phalangeal dystrophy; Jeune's syndrome; Chondroectodermal dysplasia-like syndrome. Identifiers: Orphanet 474, MedGen C0265275, MONDO:0018770.

gnomAD v4.1: 3 of 1,613,202 alleles (0.00019%); highest among the groups gnomAD compares: Non-Finnish European, 0.00025%; no homozygotes.

Submission:

Labcorp Genetics (formerly Invitae), Labcorp
Classification: Uncertain significance for Jeune thoracic dystrophy. Last evaluated: 2025-04-08. Review status: criteria provided, single submitter. Criteria: Invitae Variant Classification Sherloc (09022015). Collection method: clinical testing. Allele origin: germline.
Comment: This sequence change replaces threonine, which is neutral and polar, with serine, which is neutral and polar, at codon 2315 of the DYNC2H1 protein (p.Thr2315Ser). This variant is not present in population databases (gnomAD no frequency). This variant has not been reported in the literature in individuals affected with DYNC2H1-related conditions. Invitae Evidence Modeling of protein sequence and biophysical properties (such as structural, functional, and spatial information, amino acid conservation, physicochemical variation, residue mobility, and thermodynamic stability) indicates that this missense variant is not expected to disrupt DYNC2H1 protein function with a negative predictive value of 95%. In summary, the available evidence is currently insufficient to determine the role of this variant in disease. Therefore, it has been classified as a Variant of Uncertain Significance.